The following is an entry in ClinVar:

ClinVar aggregate classification (germline): Uncertain significance (1 of 4 stars; one submission).

Conditions:
Muscular dystrophy-dystroglycanopathy (congenital with brain and eye anomalies), type a, 8 (MDDGA8). Also called: WALKER-WARBURG SYNDROME OR MUSCLE-EYE-BRAIN DISEASE, GTDC2-RELATED. Identifiers: Orphanet 899, MedGen C3553813, MONDO:0013904, OMIM 614830.

Submission:

Labcorp Genetics (formerly Invitae), Labcorp
Classification: Uncertain significance for Muscular dystrophy-dystroglycanopathy (congenital with brain and eye anomalies), type a, 8. Last evaluated: 2022-06-14. Review status: criteria provided, single submitter. Criteria: Invitae Variant Classification Sherloc (09022015). Collection method: clinical testing. Allele origin: germline.
Comment: This variant, c.286_288del, results in the deletion of 1 amino acid(s) of the POMGNT2 protein (p.Phe96del), but otherwise preserves the integrity of the reading frame. This variant is present in population databases (rs767570675, gnomAD 0.1%). This variant has not been reported in the literature in individuals affected with POMGNT2-related conditions. ClinVar contains an entry for this variant (Variation ID: 583203). Experimental studies and prediction algorithms are not available or were not evaluated, and the functional significance of this variant is currently unknown. In summary, the available evidence is currently insufficient to determine the role of this variant in disease. Therefore, it has been classified as a Variant of Uncertain Significance.

NM_032806.6(POMGNT2):c.283TTC[1] (p.Phe96del)

Gene: POMGNT2 (protein O-linked mannose N-acetylglucosaminyltransferase 2 (beta 1,4-); minus strand). Cytogenetic location: 3p22.1.
Variant type: Microsatellite.
Coding change: c.283TTC[1] on transcript NM_032806.6 (MANE Select); one copy of the 3-base unit TTC starting at c.283; the reference has two copies in a row; one copy, 3 bases deleted.
Protein change: p.Phe96del; deletes phenylalanine 96.
Molecular consequence: inframe deletion.
Genome position (GRCh38, 1-based): chr3:43,081,144-43,081,146, GAA deleted on the plus strand (TTC on the coding strand, the reverse complement: POMGNT2 is on the minus strand); deleting any 3 consecutive bases within chr3:43,081,144-43,081,151 gives the same sequence; the position shown is the placement nearest the transcript's 3' end. VCF-style (leftmost placement, unchanged base first): chr3-43081143-GGAA-G. GRCh37 (hg19) VCF-style: chr3-43122635-GGAA-G.
Other names: short protein forms F96del.
Identifiers: ClinVar variation 583203 (VCV000583203.3), dbSNP rs767570675, ClinGen allele CA2340109.
Genomic context (GRCh38, chr3:43,081,143, plus strand): 5'-GCAGGGCTGGCTGGAAGCGCCGGGAGCCCAGGTTGGGCAGCATGACAGAGGTGTTGCCAT[GGAA>G]GAAGATGAACTCCTCAGCCTCGTTGGAGTAGCAGAGCCACTTGAAGCGGCAGATGCGGTC-3'